The following is an entry in ClinVar:

NM_000179.3(MSH6):c.3419A>G (p.Lys1140Arg)

Gene: MSH6 (mutS homolog 6; plus strand). Cytogenetic location: 2p16.3.
Variant type: single nucleotide variant.
Coding change: c.3419A>G on transcript NM_000179.3 (MANE Select); coding-DNA position 3419, A replaced by G.
Protein change: p.Lys1140Arg; replaces lysine 1140 with arginine.
Molecular consequence: missense variant.
Genome position (GRCh38, 1-based): chr2:47,803,666, A>G. VCF-style: chr2-47803666-A-G. GRCh37 (hg19) VCF-style: chr2-48030805-A-G.
Other names: c.2513A>G, p.Lys838Arg (NM_001406812.1, NM_001406814.1, NM_001406815.1 and 6 more transcripts); c.3425A>G, p.Lys1142Arg (NM_001406813.1); c.1853A>G, p.Lys618Arg (NM_001406817.1); c.3122A>G, p.Lys1041Arg (NM_001406818.1, NM_001406819.1, NM_001406820.1 and 10 more transcripts); c.3029A>G, p.Lys1010Arg (NM_001281492.2); c.3515A>G, p.Lys1172Arg (NM_001406795.1, NM_001406802.1); c.3419A>G, p.Lys1140Arg (NM_001406796.1, NM_001406800.1, NM_001406808.1 and 1 more transcripts); c.3245A>G, p.Lys1082Arg (NM_001406798.1); and 7 more; short protein forms K1010R, K1084R, K67R, K89R, K1041R, K1114R, K1082R, K1140R.
Identifiers: ClinVar variation 2120693 (VCV002120693.4), dbSNP rs63750969, ClinGen allele CA46716126.

ClinVar aggregate classification (germline): Uncertain significance (1 of 4 stars; one submission).

Conditions:
Hereditary nonpolyposis colorectal neoplasms. Identifiers: MedGen C0009405, MeSH D003123.

Submission:

Labcorp Genetics (formerly Invitae), Labcorp
Classification: Uncertain significance for Hereditary nonpolyposis colorectal neoplasms. Last evaluated: 2022-04-01. Review status: criteria provided, single submitter. Criteria: Invitae Variant Classification Sherloc (09022015). Collection method: clinical testing. Allele origin: germline.
Comment: Advanced modeling of protein sequence and biophysical properties (such as structural, functional, and spatial information, amino acid conservation, physicochemical variation, residue mobility, and thermodynamic stability) performed at Invitae indicates that this missense variant is expected to disrupt MSH6 protein function. In summary, the available evidence is currently insufficient to determine the role of this variant in disease. Therefore, it has been classified as a Variant of Uncertain Significance. Experimental studies have shown that this missense change affects MSH6 function (PMID: 9564049). This variant has not been reported in the literature in individuals affected with MSH6-related conditions. This variant is not present in population databases (gnomAD no frequency). This sequence change replaces lysine, which is basic and polar, with arginine, which is basic and polar, at codon 1140 of the MSH6 protein (p.Lys1140Arg).

Literature cited by the submitters: PubMed 9564049.